The following is an entry in ClinVar:

ClinVar aggregate classification (germline): Uncertain significance. Review status: criteria provided, multiple submitters, no conflicts (2 of 4 stars). 2 submissions from 2 submitters: Uncertain significance (2). Last evaluated 2026-01-12.

Submissions (2):

Labcorp Genetics (formerly Invitae), Labcorp
Classification: Uncertain significance. Last evaluated: 2026-01-12. Review status: criteria provided, single submitter. Criteria: Invitae Variant Classification Sherloc (09022015). Collection method: clinical testing. Allele origin: germline.
Comment: This sequence change affects codon 437 of the OPA1 mRNA. It is a 'silent' change, meaning that it does not change the encoded amino acid sequence of the OPA1 protein. It affects a nucleotide within the consensus splice site. This variant is not present in population databases (gnomAD no frequency). This variant has not been reported in the literature in individuals affected with OPA1-related conditions. ClinVar contains an entry for this variant (Variation ID: 3650272). Algorithms developed to predict the effect of sequence changes on RNA splicing suggest that this variant may disrupt the consensus splice site. In summary, the available evidence is currently insufficient to determine the role of this variant in disease. Therefore, it has been classified as a Variant of Uncertain Significance.

Blueprint Genetics
Classification: Uncertain significance. Last evaluated: 2023-07-18. Review status: criteria provided, single submitter. Criteria: ACMG Guidelines, 2015. Collection method: clinical testing. Allele origin: germline.

NM_130837.3(OPA1):c.1476A>G (p.Gln492=)

Gene: OPA1 (OPA1 mitochondrial dynamin like GTPase; plus strand). Cytogenetic location: 3q29.
Variant type: single nucleotide variant.
Coding change: c.1476A>G on transcript NM_130837.3 (MANE Select); coding-DNA position 1476, A replaced by G.
Protein change: p.Gln492=; no amino-acid change (glutamine 492 retained).
Molecular consequence: synonymous variant.
Genome position (GRCh38, 1-based): chr3:193,643,626, A>G. VCF-style: chr3-193643626-A-G. GRCh37 (hg19) VCF-style: chr3-193361415-A-G.
Other names: c.942A>G, p.Gln314= (NM_001354663.2); c.939A>G, p.Gln313= (NM_001354664.2); c.1311A>G, p.Gln437= (NM_015560.3); c.1203A>G, p.Gln401= (NM_130831.3); c.1257A>G, p.Gln419= (NM_130832.3); c.1314A>G, p.Gln438= (NM_130833.3); c.1365A>G, p.Gln455= (NM_130834.3); c.1368A>G, p.Gln456= (NM_130835.3); and 1 more.
Identifiers: ClinVar variation 3650272 (VCV003650272.3).